The following is an entry in ClinVar:

NM_000492.4(CFTR):c.3292T>C (p.Trp1098Arg)

Genes: CFTR-AS2 (CFTR antisense RNA 2; minus strand), CFTR (CF transmembrane conductance regulator; plus strand), LOC111674472 (DNase I hypersensitive sites in introns 16 and 17a of CFTR; plus strand). Cytogenetic location: 7q31.2.
Variant type: single nucleotide variant.
Coding change: c.3292T>C on transcript NM_000492.4 (MANE Select); coding-DNA position 3292, T replaced by C.
Protein change: p.Trp1098Arg; replaces tryptophan 1098 with arginine.
Molecular consequence: missense variant.
Genome position (GRCh38, 1-based): chr7:117,611,733, T>C. VCF-style: chr7-117611733-T-C. GRCh37 (hg19) VCF-style: chr7-117251787-T-C.
Other names: short protein forms W1098R.
Identifiers: ClinVar variation 53707 (VCV000053707.24), dbSNP rs397508531, ClinGen allele CA327130.

ClinVar aggregate classification (germline): Pathogenic. Review status: reviewed by expert panel (3 of 4 stars). 11 submissions from 11 submitters: Pathogenic (1). 10 of the submissions do not count toward it. Last evaluated 2019-03-11.

Conditions:
CFTR-related disorder (CFTR-RD). Also called: CFTR-related condition; CFTR-related disorders. Identifiers: MedGen C5924204, MONDO:7770004.
Bronchiectasis with or without elevated sweat chloride 1 (BESC1). Also called: Cystic Fibrosis-Like Syndrome. Identifiers: Orphanet 60033, MedGen C2749757, MONDO:0008887, OMIM 211400.
Congenital bilateral aplasia of vas deferens from CFTR mutation (CBAVD). Identifiers: Orphanet 48, MedGen C0403814, MONDO:0010178, OMIM 277180. Disease mechanism: loss of function.
Cystic fibrosis (CF). Also called: MUCOVISCIDOSIS. Identifiers: Orphanet 586, MedGen C0010674, MONDO:0009061, OMIM 219700. Disease mechanism: loss of function.
Hereditary pancreatitis (PCTT). Also called: PRSS1-Related Hereditary Pancreatitis; Hereditary chronic pancreatitis. Identifiers: Orphanet 676, MedGen C0238339, MONDO:0008185, OMIM 167800.

Allele frequency attached by ClinVar (database versions not stated): TOPMed below 0.00001; gnomAD exomes 0.00001.
gnomAD v4.1: 9 of 1,613,628 alleles (0.00056%); highest among the groups gnomAD compares: African/African-American, 0.0013%; no homozygotes.

Submissions (11):

CFTR2
Classification: Pathogenic for Cystic fibrosis. Last evaluated: 2019-03-11. Review status: reviewed by expert panel. Criteria: Sosnay PR et al. (Nat Genet 2013). Collection method: research. Allele origin: germline. Affected: yes.

Natera, Inc.
Classification: Likely pathogenic for CFTR-related disorders. Last evaluated: 2025-11-26. Review status: criteria provided, single submitter. Criteria: Natera Variant Classification Schema (03/2026). Collection method: clinical testing. Allele origin: germline. Not counted in ClinVar's aggregate classification.
Comment: The c.3292T>C variant in CFTR is a missense variant predicted to cause substitution of tryptophan to arginine at amino acid 1098. This variant is rare in the general population with a frequency below the threshold expected for the associated phenotype(s). This variant has been observed in one or more individuals affected with the associated recessive disease, as either homozygous or compound heterozygous with a second variant (PMID: 7537150, 9475104). Functional studies show that this variant may disrupt protein function (PMID: 38388235, 8662892). A different variant at the same position has been determined to be Pathogenic or Likely Pathogenic. Computational prediction algorithms indicate this variant is likely to affect gene or protein function. Given the available evidence, this variant is classified as Likely Pathogenic.

Women's Health and Genetics/Laboratory Corporation of America, LabCorp
Classification: Pathogenic for Cystic fibrosis. Last evaluated: 2025-10-01. Review status: criteria provided, single submitter. Criteria: LabCorp Variant Classification Summary - May 2015. Collection method: clinical testing. Allele origin: germline. Not counted in ClinVar's aggregate classification.
Comment: Variant summary: CFTR c.3292T>C (p.Trp1098Arg) results in a non-conservative amino acid change in the encoded protein sequence. Algorithms developed to predict the effect of missense changes on protein structure and function all suggest that this variant is likely to be disruptive. The variant was absent in 251088 control chromosomes. c.3292T>C has been reported in the presumed compound heterozygous state in the literature in at least 1 individual affected with Cystic Fibrosis (e.g., Zielenski_1995, Shackelton_1994). These data suggest the variant may be associated with disease. A different variant affecting the same codon has been classified as likely pathogenic/pathogenic by our lab (c.3294G>C, p.Trp1098Cys), supporting the critical relevance of codon 1098 to CFTR protein function. At least one publication reports experimental evidence evaluating an impact on protein function (e.g., Seibert_1996), finding that the variant disrupts biosynthetic processing leading to retention in the endoplasmic reticulum and also severely disrupts channel activity. The following publications have been ascertained in the context of this evaluation (PMID: 8662892, 7515303, 7537150, 9475104). ClinVar contains an entry for this variant (Variation ID: 53707). Based on the evidence outlined above, the variant was classified as pathogenic.

Fulgent Genetics
Classification: Likely pathogenic for Hereditary pancreatitis; Bronchiectasis with or without elevated sweat chloride 1; Cystic fibrosis; Congenital bilateral aplasia of vas deferens from CFTR mutation. Last evaluated: 2024-03-06. Review status: criteria provided, single submitter. Criteria: ACMG Guidelines, 2015. Collection method: clinical testing. Allele origin: germline. Not counted in ClinVar's aggregate classification.

Ambry Genetics
Classification: Pathogenic for Cystic fibrosis. Last evaluated: 2023-06-22. Review status: criteria provided, single submitter. Criteria: Ambry Variant Classification Scheme 2023. Collection method: clinical testing. Allele origin: germline. Not counted in ClinVar's aggregate classification.
Comment: The p.W1098R pathogenic mutation (also known as c.3292T>C and 3424T>C), located in coding exon 20 of the CFTR gene, results from a T to C substitution at nucleotide position 3292. The tryptophan at codon 1098 is replaced by arginine, an amino acid with dissimilar properties. This mutation was described in an individuals with cystic fibrosis (CF) who presented with recurrent chest infections and mild pancreatic insufficiency (Zielenski J et al, Hum. Mutat. 1995 ; 5(1):43-7). By in vitro studies, this alteration was shown to cause impaired CFTR protein processing/glycosylation as well as reduced cAMP-activated anion channel activity (Seibert FS et al, J. Biol. Chem. 1996 Jun; 271(25):15139-45). This variant is considered to be rare based on population cohorts in the Genome Aggregation Database (gnomAD). In addition, this alteration is predicted to be deleterious by in silico analysis. Another alteration at the same codon, p.W1098C (c.3294G>C), has been detected in an individual with pancreatic sufficient CF (Orozco L et al, Hum. Genet. 2000 Mar; 106(3):360-5). Based on the available evidence, p.W1098R is classified as a pathogenic mutation.

Labcorp Genetics (formerly Invitae), Labcorp
Classification: Pathogenic for Cystic fibrosis. Last evaluated: 2023-02-18. Review status: criteria provided, single submitter. Criteria: Invitae Variant Classification Sherloc (09022015). Collection method: clinical testing. Allele origin: germline. Not counted in ClinVar's aggregate classification.
Comment: Experimental studies have shown that this missense change affects CFTR function (PMID: 8662892). Advanced modeling of protein sequence and biophysical properties (such as structural, functional, and spatial information, amino acid conservation, physicochemical variation, residue mobility, and thermodynamic stability) performed at Invitae indicates that this missense variant is expected to disrupt CFTR protein function. ClinVar contains an entry for this variant (Variation ID: 53707). This missense change has been observed in individual(s) with cystic fibrosis (PMID: 7537150). This variant is not present in population databases (gnomAD no frequency). This sequence change replaces tryptophan, which is neutral and slightly polar, with arginine, which is basic and polar, at codon 1098 of the CFTR protein (p.Trp1098Arg). For these reasons, this variant has been classified as Pathogenic. This variant disrupts the p.Trp1098 amino acid residue in CFTR. Other variant(s) that disrupt this residue have been observed in individuals with CFTR-related conditions (PMID: 7537150, 10798368, 18178635), which suggests that this may be a clinically significant amino acid residue.

North West Genomic Laboratory Hub, Manchester University NHS Foundation Trust
Classification: Pathogenic for Cystic fibrosis. Last evaluated: 2021-01-07. Review status: criteria provided, single submitter. Criteria: ACMG Guidelines, 2015. Collection method: clinical testing. Allele origin: germline. Affected: yes. Not counted in ClinVar's aggregate classification.
Comment: Criteria Codes: PM2 PP3 PS3_VStr PM5

Johns Hopkins Genomics, Johns Hopkins University
Classification: Pathogenic for Cystic fibrosis. Last evaluated: 2020-02-07. Review status: criteria provided, single submitter. Criteria: ACMG Guidelines, 2015. Collection method: clinical testing. Allele origin: germline. Not counted in ClinVar's aggregate classification.
Comment: Disease-causing CFTR variant. See CFTR2 for phenotype information.

Quest Diagnostics Nichols Institute San Juan Capistrano
Classification: Likely pathogenic. Last evaluated: 2018-12-24. Review status: criteria provided, single submitter. Criteria: Quest Diagnostics criteria. Collection method: clinical testing. Allele origin: germline. Not counted in ClinVar's aggregate classification.
Comment: Not found in the total gnomAD dataset, and the data is high quality (0/282434 chr). Found in at least one symptomatic patient. Predicted to have a damaging effect on the protein. Assessment of experimental evidence suggests this variant results in abnormal protein function.

CFTR-France
Classification: Pathogenic for cystic fibrosis. Last evaluated: 2015-07-03. Review status: criteria provided, single submitter. Criteria: Claustres M et al. (Hum Mutat 2017). Collection method: curation. Allele origin: germline. Affected: yes. Not counted in ClinVar's aggregate classification.

ClinVar Staff, National Center for Biotechnology Information (NCBI)
No classification provided. Condition: CFTR-related disorders. Review status: no classification provided. Collection method: literature only. Allele origin: germline. Affected: yes. Not counted in ClinVar's aggregate classification.

Literature cited by the submitters: PubMed 7537150 (cited by 4 submitters); PubMed 9475104 (cited by Natera, Inc. and Women's Health and Genetics/Laboratory Corporation of America, LabCorp); PubMed 38388235 (cited by Natera, Inc.); PubMed 8662892 (cited by 5 submitters); PubMed 7515303 (cited by Women's Health and Genetics/Laboratory Corporation of America, LabCorp and Quest Diagnostics Nichols Institute San Juan Capistrano); PubMed 10798368 (cited by Ambry Genetics and Labcorp Genetics (formerly Invitae), Labcorp); PubMed 18178635 (cited by Ambry Genetics and Labcorp Genetics (formerly Invitae), Labcorp); PubMed 16049310 (cited by Quest Diagnostics Nichols Institute San Juan Capistrano); PubMed 16417523 (cited by Quest Diagnostics Nichols Institute San Juan Capistrano); PubMed 20059485 (cited by Quest Diagnostics Nichols Institute San Juan Capistrano and ClinVar Staff, National Center for Biotechnology Information (NCBI)); PubMed 8889582 (cited by Quest Diagnostics Nichols Institute San Juan Capistrano).